The following is an entry in ClinVar:

ClinVar aggregate classification (germline): Uncertain significance (1 of 4 stars; one submission).

Submission:

GeneDx
Classification: Uncertain significance. Last evaluated: 2017-11-03. Review status: criteria provided, single submitter. Criteria: GeneDx Variant Classification (06012015). Collection method: clinical testing. Allele origin: germline. Affected: yes.
Comment: The L327P variant has not been published as a pathogenic variant, nor has it been reported as a benign variant to our knowledge. The L327P variant is not observed in large population cohorts (Lek et al., 2016). The L327P variant is a semi-conservative amino acid substitution, which may impact secondary protein structure as these residues differ in some properties. This substitution occurs at a position that is conserved across species, and in silico analysis predicts this variant is probably damaging to the protein structure/function. Based on the currently available information, it is unclear whether this variant is a pathogenic variant or a rare benign variant.

NM_005629.4(SLC6A8):c.980T>C (p.Leu327Pro)

Gene: SLC6A8 (solute carrier family 6 member 8; plus strand). Cytogenetic location: Xq28.
Variant type: single nucleotide variant.
Coding change: c.980T>C on transcript NM_005629.4 (MANE Select); coding-DNA position 980, T replaced by C.
Protein change: p.Leu327Pro; replaces leucine 327 with proline.
Molecular consequence: missense variant.
Genome position (GRCh38, 1-based): chrX:153,693,330, T>C. VCF-style: chrX-153693330-T-C. GRCh37 (hg19) VCF-style: chrX-152958785-T-C.
Other names: c.980T>C, p.Leu327Pro (NM_001142805.2); c.635T>C, p.Leu212Pro (NM_001142806.1); short protein forms L327P, L212P.
Identifiers: ClinVar variation 453156 (VCV000453156.2), dbSNP rs1557045056, ClinGen allele CA415084749.